The following is an entry in ClinVar:

ClinVar aggregate classification (germline): Pathogenic (1 of 4 stars; one submission).

Conditions:
Immunodeficiency 23 (IMD23). Also called: IMMUNODEFICIENCY WITH HYPER IgE AND COGNITIVE IMPAIRMENT; IMMUNODEFICIENCY-VASCULITIS-MYOCLONUS SYNDROME. Identifiers: Orphanet 443811, MedGen C4014371, MONDO:0014353, OMIM 615816.

Submission:

Labcorp Genetics (formerly Invitae), Labcorp
Classification: Pathogenic for Immunodeficiency 23. Last evaluated: 2025-12-29. Review status: criteria provided, single submitter. Criteria: Invitae Variant Classification Sherloc (09022015). Collection method: clinical testing. Allele origin: germline.
Comment: This sequence change creates a premature translational stop signal (p.Ala447*) in the PGM3 gene. It is expected to result in an absent or disrupted protein product. Loss-of-function variants in PGM3 are known to be pathogenic (PMID: 17548465, 24589341, 24931394). This variant is present in population databases (no rsID available, gnomAD 0.01%). This variant has not been reported in the literature in individuals affected with PGM3-related conditions. ClinVar contains an entry for this variant (Variation ID: 2739581). For these reasons, this variant has been classified as Pathogenic.

Literature cited by the submitters: PubMed 17548465; PubMed 24589341; PubMed 24931394.

NM_015599.3(PGM3):c.1255_1277del (p.Asp418_Ala419insTer)

Gene: PGM3 (phosphoglucomutase 3; minus strand). Cytogenetic location: 6q14.1.
Variant type: Deletion.
Coding change: c.1255_1277del on transcript NM_015599.3 (MANE Select); coding-DNA positions 1255 to 1277, 23 bases deleted (GCTATTTCTGACATGCTGGTGAT).
Protein change: p.Asp418_Ala419insTer.
Molecular consequence: nonsense. On other transcripts: non-coding transcript variant (1), intron variant (1).
Genome position (GRCh38, 1-based): chr6:83,172,025-83,172,047, ATCACCAGCATGTCAGAAATAGC deleted on the plus strand (GCTATTTCTGACATGCTGGTGAT on the coding strand, the reverse complement: PGM3 is on the minus strand); deleting any 23 consecutive bases within chr6:83,172,025-83,172,056 gives the same sequence; the c. name uses the placement nearest the transcript's 3' end. VCF-style (leftmost placement, unchanged base first): chr6-83172024-AATCACCAGCATGTCAGAAATAGC-A. GRCh37 (hg19) VCF-style: chr6-83881743-AATCACCAGCATGTCAGAAATAGC-A.
Other names: c.1339_1361del, p.Asp446_Ala447insTer (NM_001199917.2, NM_001367287.1); c.1012_1034del, p.Asp337_Ala338insTer (NM_001199918.2); c.1255_1277del, p.Asp418_Ala419insTer (NM_001199919.2); c.1243-1569_1243-1547del (NM_001367286.1).
Identifiers: ClinVar variation 2739581 (VCV002739581.3), dbSNP rs1373505634, ClinGen allele CA568298977.
Genomic context (GRCh38, chr6:83,172,024, plus strand): 5'-ATCTGTATAGAGAGCATCCCACTGTTGTACAGTCAAGCCCTTCAGAGCCAAGATTGCTTC[AATCACCAGCATGTCAGAAATAGC>A]ATCACCAGCTGCCTGCAAATGGGGAAACAAATGGAAGAAACCACTTAACACAAGCAAATC-3'